The following is an entry in ClinVar:

ClinVar aggregate classification (germline): Uncertain significance (1 of 4 stars; one submission).

Allele frequency attached by ClinVar (database versions not stated): TOPMed 0.00004; ExAC 0.00005; ESP Exome Variant Server 0.00008.

Submission:

Labcorp Genetics (formerly Invitae), Labcorp
Classification: Uncertain significance. Last evaluated: 2022-08-02. Review status: criteria provided, single submitter. Criteria: Invitae Variant Classification Sherloc (09022015). Collection method: clinical testing. Allele origin: germline.
Comment: This variant is present in population databases (rs375612582, gnomAD 0.02%). This sequence change replaces methionine, which is neutral and non-polar, with valine, which is neutral and non-polar, at codon 462 of the PLEKHM2 protein (p.Met462Val). This variant has not been reported in the literature in individuals affected with PLEKHM2-related conditions. In summary, the available evidence is currently insufficient to determine the role of this variant in disease. Therefore, it has been classified as a Variant of Uncertain Significance. Algorithms developed to predict the effect of missense changes on protein structure and function (SIFT, PolyPhen-2, Align-GVGD) all suggest that this variant is likely to be tolerated.

NM_015164.4(PLEKHM2):c.1384A>G (p.Met462Val)

Gene: PLEKHM2 (pleckstrin homology and RUN domain containing M2; plus strand). Cytogenetic location: 1p36.21.
Variant type: single nucleotide variant.
Coding change: c.1384A>G on transcript NM_015164.4 (MANE Select); coding-DNA position 1384, A replaced by G.
Protein change: p.Met462Val; replaces methionine 462 with valine.
Molecular consequence: missense variant.
Genome position (GRCh38, 1-based): chr1:15,727,456, A>G. VCF-style: chr1-15727456-A-G. GRCh37 (hg19) VCF-style: chr1-16053951-A-G.
Other names: c.1324A>G, p.Met442Val (NM_001410755.1); short protein forms M442V, M462V.
Identifiers: ClinVar variation 2042764 (VCV002042764.4), dbSNP rs375612582, ClinGen allele CA616932.